The following is an entry in ClinVar:

ClinVar aggregate classification (germline): Uncertain significance. Review status: criteria provided, multiple submitters, no conflicts (2 of 4 stars). 2 submissions from 2 submitters: Uncertain significance (2). Last evaluated 2024-10-15.

gnomAD v4.1: 41 of 1,598,620 alleles (0.0026%); highest among the groups gnomAD compares: Admixed American, 0.069%; no homozygotes.

Submissions (2):

Labcorp Genetics (formerly Invitae), Labcorp
Classification: Uncertain significance. Last evaluated: 2024-10-15. Review status: criteria provided, single submitter. Criteria: Invitae Variant Classification Sherloc (09022015). Collection method: clinical testing. Allele origin: germline.
Comment: This sequence change replaces alanine, which is neutral and non-polar, with threonine, which is neutral and polar, at codon 733 of the ADGRB2 protein (p.Ala733Thr). This variant is present in population databases (rs769235518, gnomAD 0.1%), and has an allele count higher than expected for a pathogenic variant. This variant has not been reported in the literature in individuals affected with ADGRB2-related conditions. ClinVar contains an entry for this variant (Variation ID: 1373078). Experimental studies and prediction algorithms are not available or were not evaluated, and the functional significance of this variant is currently unknown. In summary, the available evidence is currently insufficient to determine the role of this variant in disease. Therefore, it has been classified as a Variant of Uncertain Significance.

Ambry Genetics
Classification: Uncertain significance. Last evaluated: 2023-12-13. Review status: criteria provided, single submitter. Criteria: Ambry Variant Classification Scheme 2023. Collection method: clinical testing. Allele origin: germline.

NM_001364857.2(ADGRB2):c.2197G>A (p.Ala733Thr)

Gene: ADGRB2 (adhesion G protein-coupled receptor B2; minus strand). Cytogenetic location: 1p35.2.
Variant type: single nucleotide variant.
Coding change: c.2197G>A on transcript NM_001364857.2 (MANE Select); coding-DNA position 2197, G replaced by A.
Protein change: p.Ala733Thr; replaces alanine 733 with threonine.
Molecular consequence: missense variant.
Genome position (GRCh38, 1-based): chr1:31,739,606, C>T on the plus strand (G>A on the coding strand, the complement: ADGRB2 is on the minus strand). VCF-style: chr1-31739606-C-T. GRCh37 (hg19) VCF-style: chr1-32205207-C-T.
Other names: c.2197G>A, p.Ala733Thr (NM_001294335.2, NM_001294336.2); c.2197G>A (NM_001703.2); short protein forms A733T.
Identifiers: ClinVar variation 1373078 (VCV001373078.7), dbSNP rs769235518, ClinGen allele CA735704.
Genomic context (GRCh38, chr1:31,739,606, plus strand): 5'-GCACCCAGTCCTTCATGCCCCGGCGGCCCCGCATGGGGAACGTGATGTCACTGGACACAG[C>T]TGAGACGGGCTCTCGCTGAATGCTGATCACTGCAGTGGGAGGAGGGTGGACAGAGACAGA-3'
Protein context (NP_001351786.1, residues 723-743): VISIQREPVS[Ala733Thr]VSSDITFPMR